The following is an entry in ClinVar:

ClinVar aggregate classification (germline): Uncertain significance (1 of 4 stars; one submission).

Submission:

Labcorp Genetics (formerly Invitae), Labcorp
Classification: Uncertain significance. Last evaluated: 2022-07-15. Review status: criteria provided, single submitter. Criteria: Invitae Variant Classification Sherloc (09022015). Collection method: clinical testing. Allele origin: germline.
Comment: This variant has not been reported in the literature in individuals affected with SZT2-related conditions. In summary, the available evidence is currently insufficient to determine the role of this variant in disease. Therefore, it has been classified as a Variant of Uncertain Significance. Experimental studies and prediction algorithms are not available or were not evaluated, and the functional significance of this variant is currently unknown. Information on the frequency of this variant in the gnomAD database is not available, as this variant may be reported differently in the database. This sequence change replaces serine, which is neutral and polar, with proline, which is neutral and non-polar, at codon 1738 of the SZT2 protein (p.Ser1738Pro).

NM_001365999.1(SZT2):c.5382_5383delinsGC (p.Ser1795Pro)

Gene: SZT2 (SZT2 subunit of KICSTOR complex; plus strand). Cytogenetic location: 1p34.2.
Variant type: Indel.
Coding change: c.5382_5383delinsGC on transcript NM_001365999.1 (MANE Select); coding-DNA positions 5382 to 5383, TT replaced by GC.
Protein change: p.Ser1795Pro; replaces serine 1795 with proline.
Molecular consequence: missense variant.
Genome position (GRCh38, 1-based): chr1:43,432,379-43,432,380, TT replaced by GC. VCF-style: chr1-43432379-TT-GC. GRCh37 (hg19) VCF-style: chr1-43898050-TT-GC.
Other names: c.5211_5212delinsGC, p.Ser1738Pro (NM_015284.4); short protein forms S1738P, S1795P.
Identifiers: ClinVar variation 1715091 (VCV001715091.5), dbSNP rs2545831047, ClinGen allele CA2580062845.